The following is an entry in ClinVar:

ClinVar aggregate classification (germline): Uncertain significance (1 of 4 stars; one submission).

Submission:

Labcorp Genetics (formerly Invitae), Labcorp
Classification: Uncertain significance. Last evaluated: 2023-04-28. Review status: criteria provided, single submitter. Criteria: Invitae Variant Classification Sherloc (09022015). Collection method: clinical testing. Allele origin: germline.
Comment: This variant is not present in population databases (gnomAD no frequency). In summary, the available evidence is currently insufficient to determine the role of this variant in disease. Therefore, it has been classified as a Variant of Uncertain Significance. Advanced modeling of protein sequence and biophysical properties (such as structural, functional, and spatial information, amino acid conservation, physicochemical variation, residue mobility, and thermodynamic stability) performed at Invitae indicates that this missense variant is not expected to disrupt MYH3 protein function. ClinVar contains an entry for this variant (Variation ID: 1720433). This variant has not been reported in the literature in individuals affected with MYH3-related conditions. This sequence change replaces lysine, which is basic and polar, with arginine, which is basic and polar, at codon 992 of the MYH3 protein (p.Lys992Arg).

NM_002470.4(MYH3):c.2975A>G (p.Lys992Arg)

Gene: MYH3 (myosin heavy chain 3; minus strand). Cytogenetic location: 17p13.1.
Variant type: single nucleotide variant.
Coding change: c.2975A>G on transcript NM_002470.4 (MANE Select); coding-DNA position 2975, A replaced by G.
Protein change: p.Lys992Arg; replaces lysine 992 with arginine.
Molecular consequence: missense variant.
Genome position (GRCh38, 1-based): chr17:10,639,425, T>C on the plus strand (A>G on the coding strand, the complement: MYH3 is on the minus strand). VCF-style: chr17-10639425-T-C. GRCh37 (hg19) VCF-style: chr17-10542742-T-C.
Other names: short protein forms K992R.
Identifiers: ClinVar variation 1720433 (VCV001720433.5), dbSNP rs2508597969, ClinGen allele CA398156022.
Genomic context (GRCh38, chr17:10,639,425, plus strand): 5'-TGGAGGTCATCCAAGGCCTGCTGGTGCGCCTCTTGGAGGGCCTTCTTCTCTCTGGTTAAC[T>C]TTGCAATTGTTTCATCTAACCCAGAGAGTTCCTCAGTAAGGTTTTTAACCTAAGAAGAAT-3'
Protein context (NP_002461.2, residues 982-1002): ELSGLDETIA[Lys992Arg]LTREKKALQE